The following is an entry in ClinVar:

NM_003803.4(MYOM1):c.2992-1G>A

Gene: MYOM1 (myomesin 1; minus strand). Cytogenetic location: 18p11.31.
Variant type: single nucleotide variant.
Coding change: c.2992-1G>A on transcript NM_003803.4 (MANE Select); the canonical splice acceptor site of the intron before coding-DNA position 2992, G replaced by A.
Molecular consequence: splice acceptor variant.
Genome position (GRCh38, 1-based): chr18:3,119,996, C>T on the plus strand (G>A on the coding strand, the complement: MYOM1 is on the minus strand). VCF-style: chr18-3119996-C-T. GRCh37 (hg19) VCF-style: chr18-3119994-C-T.
Other names: c.2704-1G>A (NM_019856.2).
Identifiers: ClinVar variation 1441381 (VCV001441381.8), dbSNP rs778797883, ClinGen allele CA8874453.

ClinVar aggregate classification (germline): Uncertain significance (1 of 4 stars; one submission).

Conditions:
Hypertrophic cardiomyopathy. Also called: HYPERTROPHIC MYOCARDIOPATHY. Identifiers: Orphanet 217569, MedGen C0007194, MeSH D002312, MONDO:0005045, HP:0001639.

Allele frequency attached by ClinVar (database versions not stated): gnomAD exomes below 0.00001; TOPMed below 0.00001; gnomAD 0.00001.
gnomAD v4.1: 3 of 1,592,124 alleles (0.00019%); highest among the groups gnomAD compares: Admixed American, 0.0053%; no homozygotes.

Submission:

Labcorp Genetics (formerly Invitae), Labcorp
Classification: Uncertain significance for Hypertrophic cardiomyopathy. Last evaluated: 2025-05-27. Review status: criteria provided, single submitter. Criteria: Invitae Variant Classification Sherloc (09022015). Collection method: clinical testing. Allele origin: germline.
Comment: This sequence change affects an acceptor splice site in intron 19 of the MYOM1 gene. It is expected to disrupt RNA splicing. Variants that disrupt the donor or acceptor splice site typically lead to a loss of protein function (PMID: 16199547), however the current clinical and genetic evidence is not sufficient to establish whether loss-of-function variants in MYOM1 cause disease. The frequency data for this variant in the population databases is considered unreliable, as metrics indicate poor data quality at this position in the gnomAD database. This variant has not been reported in the literature in individuals affected with MYOM1-related conditions. ClinVar contains an entry for this variant (Variation ID: 1441381). Algorithms developed to predict the effect of sequence changes on RNA splicing suggest that this variant may disrupt the consensus splice site. In summary, the available evidence is currently insufficient to determine the role of this variant in disease. Therefore, it has been classified as a Variant of Uncertain Significance.

Literature cited by the submitters: PubMed 16199547.